The following is an entry in ClinVar:

NM_001365276.2(TNXB):c.424C>G (p.Leu142Val)

Gene: TNXB (tenascin XB; minus strand). Cytogenetic location: 6p21.33.
Variant type: single nucleotide variant.
Coding change: c.424C>G on transcript NM_001365276.2 (MANE Select); coding-DNA position 424, C replaced by G.
Protein change: p.Leu142Val; replaces leucine 142 with valine.
Molecular consequence: missense variant.
Genome position (GRCh38, 1-based): chr6:32,097,429, G>C on the plus strand (C>G on the coding strand, the complement: TNXB is on the minus strand). VCF-style: chr6-32097429-G-C. GRCh37 (hg19) VCF-style: chr6-32065206-G-C.
Other names: c.424C>G, p.Leu142Val (NM_001428335.1, NM_019105.8); short protein forms L142V.
Identifiers: ClinVar variation 3459810 (VCV003459810.1).

ClinVar aggregate classification (germline): Uncertain significance (1 of 4 stars; one submission).

Conditions:
Cardiovascular phenotype. Identifiers: MedGen CN230736.

gnomAD v4.1: 1 of 1,599,692 alleles (0.000063%); highest among the groups gnomAD compares: Non-Finnish European, 0.000085%; no homozygotes.

Submission:

Ambry Genetics
Classification: Uncertain significance for Cardiovascular phenotype. Last evaluated: 2024-10-08. Review status: criteria provided, single submitter. Criteria: Ambry Variant Classification Scheme 2023. Collection method: clinical testing. Allele origin: germline.
Comment: The p.L142V variant (also known as c.424C>G), located in coding exon 2 of the TNXB gene, results from a C to G substitution at nucleotide position 424. The leucine at codon 142 is replaced by valine, an amino acid with highly similar properties. This amino acid position is conserved. In addition, this alteration is predicted to be tolerated by in silico analysis. Based on the available evidence, the clinical significance of this variant remains unclear.